The following is an entry in ClinVar:

ClinVar aggregate classification (germline): Likely pathogenic (1 of 4 stars; one submission).

Allele frequency attached by ClinVar (database versions not stated): ExAC 0.00002; gnomAD 0.00003; ESP Exome Variant Server 0.00008; TOPMed 0.00002.
gnomAD v4.1: 49 of 1,614,064 alleles (0.003%); highest among the groups gnomAD compares: Non-Finnish European, 0.0042%; no homozygotes.

Submission:

Labcorp Genetics (formerly Invitae), Labcorp
Classification: Likely pathogenic. Last evaluated: 2025-11-03. Review status: criteria provided, single submitter. Criteria: Invitae Variant Classification Sherloc (09022015). Collection method: clinical testing. Allele origin: germline.
Comment: This sequence change affects a donor splice site in intron 6 of the COQ6 gene. It is expected to disrupt RNA splicing. Variants that disrupt the donor or acceptor splice site typically lead to a loss of protein function (PMID: 16199547), and loss-of-function variants in COQ6 are known to be pathogenic (PMID: 21540551, 24140869). This variant is present in population databases (rs376432164, gnomAD 0.003%). This variant has not been reported in the literature in individuals affected with COQ6-related conditions. ClinVar contains an entry for this variant (Variation ID: 2989109). Algorithms developed to predict the effect of sequence changes on RNA splicing suggest that this variant may disrupt the consensus splice site. In summary, the currently available evidence indicates that the variant is pathogenic, but additional data are needed to prove that conclusively. Therefore, this variant has been classified as Likely Pathogenic.

Literature cited by the submitters: PubMed 16199547; PubMed 21540551; PubMed 24140869.

NM_182476.3(COQ6):c.720+1G>T

Genes: COQ6 (coenzyme Q6, monooxygenase; plus strand), ENTPD5 (ectonucleoside triphosphate diphosphohydrolase 5; minus strand). Cytogenetic location: 14q24.3.
Variant type: single nucleotide variant.
Coding change: c.720+1G>T on transcript NM_182476.3 (MANE Select); the canonical splice donor site of the intron after coding-DNA position 720, G replaced by T.
Molecular consequence: splice donor variant. On other transcripts: 3 prime UTR variant (3), intron variant (2).
Genome position (GRCh38, 1-based): chr14:73,959,079, G>T. VCF-style: chr14-73959079-G-T. GRCh37 (hg19) VCF-style: chr14-74425782-G-T.
Other names: c.*451C>A (NM_001330189.2, NM_001382259.1, NM_001382260.1); c.645+1G>T (NM_001425258.1, NM_182480.3); c.495+1G>T (NM_001425259.1, NM_001425261.1, NM_001425260.1); c.393+1G>T (NM_001425263.1); c.720+1G>T (NM_001425255.1, NM_001425256.1); c.180+1G>T (NM_001425265.1, NM_001425264.1); c.465+1G>T (NM_001425262.1); c.555+1G>T (NM_001425257.1); and 2 more.
Identifiers: ClinVar variation 2989109 (VCV002989109.3), dbSNP rs376432164, ClinGen allele CA7264281.